The following is an entry in ClinVar:

NM_001232.4(CASQ2):c.1081T>A (p.Trp361Arg)

Gene: CASQ2 (calsequestrin 2; minus strand). Cytogenetic location: 1p13.1.
Variant type: single nucleotide variant.
Coding change: c.1081T>A on transcript NM_001232.4 (MANE Select); coding-DNA position 1081, T replaced by A.
Protein change: p.Trp361Arg; replaces tryptophan 361 with arginine.
Molecular consequence: missense variant.
Genome position (GRCh38, 1-based): chr1:115,701,360, A>T on the plus strand (T>A on the coding strand, the complement: CASQ2 is on the minus strand). VCF-style: chr1-115701360-A-T. GRCh37 (hg19) VCF-style: chr1-116243981-A-T.
Other names: short protein forms W361R.
Identifiers: ClinVar variation 1387985 (VCV001387985.5), dbSNP rs375811174, ClinGen allele CA1023620.

ClinVar aggregate classification (germline): Uncertain significance. Review status: criteria provided, multiple submitters, no conflicts (2 of 4 stars). 3 submissions from 3 submitters: Uncertain significance (3). Last evaluated 2023-04-11.

Conditions:
Catecholaminergic polymorphic ventricular tachycardia 2. Also called: VENTRICULAR TACHYCARDIA, STRESS-INDUCED POLYMORPHIC 2; CASQ2-Related Catecholaminergic Polymorphic Ventricular Tachycardia. Identifiers: Orphanet 3286, MedGen C2677794, MONDO:0012762, OMIM 611938.
Catecholaminergic polymorphic ventricular tachycardia 1. Also called: VENTRICULAR TACHYCARDIA, CATECHOLAMINERGIC POLYMORPHIC, 1, WITH OR WITHOUT ATRIAL DYSFUNCTION AND/OR DILATED CARDIOMYOPATHY; VENTRICULAR TACHYCARDIA, STRESS-INDUCED POLYMORPHIC 1; RYR2-Related Catecholaminergic Polymorphic Ventricular Tachycardia. Identifiers: Orphanet 3286, MedGen C1631597, MONDO:0011484, OMIM 604772.

Allele frequency attached by ClinVar (database versions not stated): ExAC 0.00001; gnomAD exomes 0.00001; ESP Exome Variant Server 0.00008.
gnomAD v4.1: 17 of 1,613,836 alleles (0.0011%); highest among the groups gnomAD compares: Non-Finnish European, 0.0014%; no homozygotes.

Submissions (3):

Genome-Nilou Lab
Classification: Uncertain significance for Catecholaminergic polymorphic ventricular tachycardia 2. Last evaluated: 2023-04-11. Review status: criteria provided, single submitter. Criteria: ACMG Guidelines, 2015. Collection method: clinical testing. Allele origin: germline. Affected: no.

Labcorp Genetics (formerly Invitae), Labcorp
Classification: Uncertain significance for Catecholaminergic polymorphic ventricular tachycardia 1. Last evaluated: 2022-03-18. Review status: criteria provided, single submitter. Criteria: Invitae Variant Classification Sherloc (09022015). Collection method: clinical testing. Allele origin: germline.
Comment: This sequence change replaces tryptophan, which is neutral and slightly polar, with arginine, which is basic and polar, at codon 361 of the CASQ2 protein (p.Trp361Arg). This variant is present in population databases (rs375811174, gnomAD 0.002%). This missense change has been observed in individual(s) with clinical features of catecholaminergic polymorphic ventricular tachycardia (PMID: 32693635). Algorithms developed to predict the effect of missense changes on protein structure and function are either unavailable or do not agree on the potential impact of this missense change (SIFT: "Deleterious"; PolyPhen-2: "Probably Damaging"; Align-GVGD: "Class C0"). In summary, the available evidence is currently insufficient to determine the role of this variant in disease. Therefore, it has been classified as a Variant of Uncertain Significance.

Fulgent Genetics
Classification: Uncertain significance for Catecholaminergic polymorphic ventricular tachycardia 1; Catecholaminergic polymorphic ventricular tachycardia 2. Last evaluated: 2021-10-02. Review status: criteria provided, single submitter. Criteria: ACMG Guidelines, 2015. Collection method: clinical testing. Allele origin: unknown.

Literature cited by the submitters: PubMed 32693635 (cited by Labcorp Genetics (formerly Invitae), Labcorp).